The following is an entry in ClinVar:

ClinVar aggregate classification (germline): Benign. Review status: criteria provided, multiple submitters, no conflicts (2 of 4 stars). 3 submissions from 3 submitters: Benign (3). Last evaluated 2026-01-22.

Conditions:
Retinitis pigmentosa (RP). Identifiers: Orphanet 791, MedGen C0035334, MeSH D012174, MONDO:0019200, OMIM 268000. Inheritance: Autosomal dominant, autosomal recessive and X linked inheritance.

Allele frequency attached by ClinVar (database versions not stated): gnomAD exomes 0.00034 and 0.00080; ExAC 0.00102; 1000 Genomes Project 30x 0.00312; gnomAD 0.00320 and 0.00334; 1000 Genomes Project 0.00339; ESP Exome Variant Server 0.00346; TOPMed 0.00388.
gnomAD v4.1: 992 of 1,611,342 alleles (0.062%); highest among the groups gnomAD compares: African/African-American, 1.2%; 6 homozygotes.

Submissions (3):

Labcorp Genetics (formerly Invitae), Labcorp
Classification: Benign. Last evaluated: 2026-01-22. Review status: criteria provided, single submitter. Criteria: Invitae Variant Classification Sherloc (09022015). Collection method: clinical testing. Allele origin: germline.

Illumina Laboratory Services, Illumina
Classification: Benign for Retinitis pigmentosa. Last evaluated: 2018-01-13. Review status: criteria provided, single submitter. Criteria: ICSL Variant Classification Criteria 13 December 2019. Collection method: clinical testing. Allele origin: germline.
Comment: This variant was observed in the ICSL laboratory as part of a predisposition screen in an ostensibly healthy population. It had not been previously curated by ICSL or reported in the Human Gene Mutation Database (HGMD: prior to June 1st, 2018), and was therefore a candidate for classification through an automated scoring system. Utilizing variant allele frequency, disease prevalence and penetrance estimates, and inheritance mode, an automated score was calculated to assess if this variant is too frequent to cause the disease. Based on the score and internal cut-off values, a variant classified as benign is not then subjected to further curation. The score for this variant resulted in a classification of benign for this disease.

Eurofins Ntd Llc (ga)
Classification: Benign. Last evaluated: 2014-04-17. Review status: criteria provided, single submitter. Criteria: EGL Classification Definitions 2015. Collection method: clinical testing. Allele origin: germline. Observed: 1 variant allele, 1 heterozygote.

NM_203288.2(RP9):c.459G>A (p.Lys153=)

Gene: RP9 (RP9 pre-mRNA splicing factor; minus strand). Cytogenetic location: 7p14.3.
Variant type: single nucleotide variant.
Coding change: c.459G>A on transcript NM_203288.2 (MANE Select); coding-DNA position 459, G replaced by A.
Protein change: p.Lys153=; no amino-acid change (lysine 153 retained).
Molecular consequence: synonymous variant.
Genome position (GRCh38, 1-based): chr7:33,096,501, C>T on the plus strand (G>A on the coding strand, the complement: RP9 is on the minus strand). VCF-style: chr7-33096501-C-T. GRCh37 (hg19) VCF-style: chr7-33136113-C-T.
Identifiers: ClinVar variation 167611 (VCV000167611.16), dbSNP rs145025032, ClinGen allele CA180404.